The following is an entry in ClinVar:

NM_004525.3(LRP2):c.9868C>T (p.Arg3290Cys)

Gene: LRP2 (LDL receptor related protein 2; minus strand). Cytogenetic location: 2q31.1.
Variant type: single nucleotide variant.
Coding change: c.9868C>T on transcript NM_004525.3 (MANE Select); coding-DNA position 9868, C replaced by T.
Protein change: p.Arg3290Cys; replaces arginine 3290 with cysteine.
Molecular consequence: missense variant.
Genome position (GRCh38, 1-based): chr2:169,182,297, G>A on the plus strand (C>T on the coding strand, the complement: LRP2 is on the minus strand). VCF-style: chr2-169182297-G-A. GRCh37 (hg19) VCF-style: chr2-170038807-G-A.
Other names: short protein forms R3290C.
Identifiers: ClinVar variation 5002579 (VCV005002579.1).
Genomic context (GRCh38, chr2:169,182,297, plus strand): 5'-GCTGGGCCAGCATGCGGCGGTGTCCACCATTGAGGTCAGAGACAAAGAGGCCATCCAGGC[G>A]GGCATCCAACCAGTAGAGCTTTCTAAAATGGAGAGCCAGGAGTTAACCAATACAGTCACT-3'
Protein context (NP_004516.2, residues 3280-3300): VSRKLYWLDA[Arg3290Cys]LDGLFVSDLN

ClinVar aggregate classification (germline): Uncertain significance (1 of 4 stars; one submission).

Conditions:
LRP2-related disorder. Also called: LRP2-related condition.

gnomAD v4.1: 24 of 1,613,724 alleles (0.0015%); highest among the groups gnomAD compares: South Asian, 0.0044%; no homozygotes.

Submission:

PreventionGenetics, part of Exact Sciences
Classification: Uncertain significance for LRP2-related condition. Last evaluated: 2025-11-18. Review status: criteria provided, single submitter. Criteria: ACMG Guidelines, 2015. Collection method: clinical testing. Allele origin: germline.
Comment: The LRP2 c.9868C>T variant is predicted to result in the amino acid substitution p.Arg3290Cys. To our knowledge, this variant has not been reported in the literature. This variant is reported in 0.0098% of alleles in individuals of South Asian descent in gnomAD. At this time, the clinical significance of this variant is uncertain due to the absence of conclusive functional and genetic evidence.